The following is an entry in ClinVar:

NM_014336.5(AIPL1):c.88G>T (p.Gly30Ter)

Gene: AIPL1 (AIP like 1 HSP90 co-chaperone; minus strand). Cytogenetic location: 17p13.2.
Variant type: single nucleotide variant.
Coding change: c.88G>T on transcript NM_014336.5 (MANE Select); coding-DNA position 88, G replaced by T.
Protein change: p.Gly30Ter; replaces glycine 30 with a stop codon.
Molecular consequence: nonsense. On other transcripts: 5 prime UTR variant (1).
Genome position (GRCh38, 1-based): chr17:6,435,017, C>A on the plus strand (G>T on the coding strand, the complement: AIPL1 is on the minus strand). VCF-style: chr17-6435017-C-A. GRCh37 (hg19) VCF-style: chr17-6338337-C-A.
Other names: c.88G>T, p.Gly30Ter (NM_001033054.3, NM_001033055.3, NM_001285399.3 and 3 more transcripts); c.-88G>T (NM_001285402.2); short protein forms G30*.
Identifiers: ClinVar variation 2753703 (VCV002753703.3), dbSNP rs145112457, ClinGen allele CA397397751.

ClinVar aggregate classification (germline): Pathogenic (1 of 4 stars; one submission).

Conditions:
Leber congenital amaurosis 4 (LCA4). Identifiers: MedGen C1858386, MONDO:0011458, OMIM 604393.

Submission:

Labcorp Genetics (formerly Invitae), Labcorp
Classification: Pathogenic for Leber congenital amaurosis 4. Last evaluated: 2023-08-18. Review status: criteria provided, single submitter. Criteria: Invitae Variant Classification Sherloc (09022015). Collection method: clinical testing. Allele origin: germline.
Comment: For these reasons, this variant has been classified as Pathogenic. This variant has not been reported in the literature in individuals affected with AIPL1-related conditions. This variant is not present in population databases (gnomAD no frequency). This sequence change creates a premature translational stop signal (p.Gly30*) in the AIPL1 gene. It is expected to result in an absent or disrupted protein product. Loss-of-function variants in AIPL1 are known to be pathogenic (PMID: 10615133, 15249368, 15347646).

Literature cited by the submitters: PubMed 10615133; PubMed 15249368; PubMed 15347646.